The following is an entry in ClinVar:

ClinVar aggregate classification (germline): Uncertain significance (1 of 4 stars; one submission).

Conditions:
Catecholaminergic polymorphic ventricular tachycardia 1. Also called: VENTRICULAR TACHYCARDIA, CATECHOLAMINERGIC POLYMORPHIC, 1, WITH OR WITHOUT ATRIAL DYSFUNCTION AND/OR DILATED CARDIOMYOPATHY; RYR2-Related Catecholaminergic Polymorphic Ventricular Tachycardia; VENTRICULAR TACHYCARDIA, STRESS-INDUCED POLYMORPHIC 1. Identifiers: Orphanet 3286, MedGen C1631597, MONDO:0011484, OMIM 604772.

Submission:

Labcorp Genetics (formerly Invitae), Labcorp
Classification: Uncertain significance for Catecholaminergic polymorphic ventricular tachycardia 1. Last evaluated: 2024-12-26. Review status: criteria provided, single submitter. Criteria: Invitae Variant Classification Sherloc (09022015). Collection method: clinical testing. Allele origin: germline.
Comment: This sequence change replaces leucine, which is neutral and non-polar, with serine, which is neutral and polar, at codon 933 of the RYR2 protein (p.Leu933Ser). This variant is not present in population databases (gnomAD no frequency). This variant has not been reported in the literature in individuals affected with RYR2-related conditions. Invitae Evidence Modeling of protein sequence and biophysical properties (such as structural, functional, and spatial information, amino acid conservation, physicochemical variation, residue mobility, and thermodynamic stability) has been performed for this missense variant. However, the output from this modeling did not meet the statistical confidence thresholds required to predict the impact of this variant on RYR2 protein function. In summary, the available evidence is currently insufficient to determine the role of this variant in disease. Therefore, it has been classified as a Variant of Uncertain Significance.

NM_001035.3(RYR2):c.2798T>C (p.Leu933Ser)

Gene: RYR2 (ryanodine receptor 2; plus strand). Cytogenetic location: 1q43.
Variant type: single nucleotide variant.
Coding change: c.2798T>C on transcript NM_001035.3 (MANE Select); coding-DNA position 2798, T replaced by C.
Protein change: p.Leu933Ser; replaces leucine 933 with serine.
Molecular consequence: missense variant.
Genome position (GRCh38, 1-based): chr1:237,511,767, T>C. VCF-style: chr1-237511767-T-C. GRCh37 (hg19) VCF-style: chr1-237675067-T-C.
Other names: short protein forms L933S.
Identifiers: ClinVar variation 3633786 (VCV003633786.2).